The following is an entry in ClinVar:

ClinVar aggregate classification (germline): Uncertain significance (1 of 4 stars; one submission).

Allele frequency attached by ClinVar (database versions not stated): gnomAD exomes below 0.00001; TOPMed 0.00001.
gnomAD v4.1: 5 of 1,613,054 alleles (0.00031%); highest among the groups gnomAD compares: South Asian, 0.0011%; no homozygotes.

Submission:

Labcorp Genetics (formerly Invitae), Labcorp
Classification: Uncertain significance. Last evaluated: 2022-07-11. Review status: criteria provided, single submitter. Criteria: Invitae Variant Classification Sherloc (09022015). Collection method: clinical testing. Allele origin: germline.
Comment: In summary, the available evidence is currently insufficient to determine the role of this variant in disease. Therefore, it has been classified as a Variant of Uncertain Significance. Algorithms developed to predict the effect of missense changes on protein structure and function are either unavailable or do not agree on the potential impact of this missense change (SIFT: "Deleterious"; PolyPhen-2: "Possibly Damaging"; Align-GVGD: "Class C0"). This variant has not been reported in the literature in individuals affected with DTNBP1-related conditions. This variant is not present in population databases (gnomAD no frequency). This sequence change replaces serine, which is neutral and polar, with tyrosine, which is neutral and polar, at codon 113 of the DTNBP1 protein (p.Ser113Tyr).

NM_032122.5(DTNBP1):c.338C>A (p.Ser113Tyr)

Gene: DTNBP1 (dystrobrevin binding protein 1; minus strand). Cytogenetic location: 6p22.3.
Variant type: single nucleotide variant.
Coding change: c.338C>A on transcript NM_032122.5 (MANE Select); coding-DNA position 338, C replaced by A.
Protein change: p.Ser113Tyr; replaces serine 113 with tyrosine.
Molecular consequence: missense variant. On other transcripts: non-coding transcript variant (1).
Genome position (GRCh38, 1-based): chr6:15,627,360, G>T on the plus strand (C>A on the coding strand, the complement: DTNBP1 is on the minus strand). VCF-style: chr6-15627360-G-T. GRCh37 (hg19) VCF-style: chr6-15627591-G-T.
Other names: c.95C>A, p.Ser32Tyr (NM_001271667.2, NM_183041.1); c.287C>A, p.Ser96Tyr (NM_001271668.2); c.233C>A, p.Ser78Tyr (NM_001271669.2); c.338C>A, p.Ser113Tyr (NM_183040.2); short protein forms S32Y, S113Y, S96Y, S78Y.
Identifiers: ClinVar variation 2172803 (VCV002172803.4), dbSNP rs1759407465, ClinGen allele CA362868862.